The following is an entry in ClinVar:

NM_000038.6(APC):c.3772A>T (p.Thr1258Ser)

Gene: APC (APC regulator of Wnt signaling pathway; plus strand). Cytogenetic location: 5q22.2.
Variant type: single nucleotide variant.
Coding change: c.3772A>T on transcript NM_000038.6 (MANE Select); coding-DNA position 3772, A replaced by T.
Protein change: p.Thr1258Ser; replaces threonine 1258 with serine.
Molecular consequence: missense variant.
Genome position (GRCh38, 1-based): chr5:112,839,366, A>T. VCF-style: chr5-112839366-A-T. GRCh37 (hg19) VCF-style: chr5-112175063-A-T.
Other names: c.3772A>T, p.Thr1258Ser (NM_001127510.3, NM_001354895.2); c.3718A>T, p.Thr1240Ser (NM_001127511.3); c.3826A>T, p.Thr1276Ser (NM_001354896.2); c.3802A>T, p.Thr1268Ser (NM_001354897.2); c.3697A>T, p.Thr1233Ser (NM_001354898.2); c.3688A>T, p.Thr1230Ser (NM_001354899.2); c.3649A>T, p.Thr1217Ser (NM_001354900.2); c.3595A>T, p.Thr1199Ser (NM_001354901.2); and 5 more; short protein forms T1240S, T1258S, T1276S, T975S, T1098S, T1157S, T1167S, T1199S.
Identifiers: ClinVar variation 579408 (VCV000579408.17), dbSNP rs774968240, ClinGen allele CA036628.

ClinVar aggregate classification (germline): Uncertain significance. Review status: criteria provided, multiple submitters, no conflicts (2 of 4 stars). 2 submissions from 2 submitters: Uncertain significance (2). Last evaluated 2025-09-21.

Conditions:
Hereditary cancer-predisposing syndrome. Also called: Neoplastic Syndromes, Hereditary; Tumor predisposition; Hereditary neoplastic syndrome; Hereditary Cancer Syndrome. Identifiers: Orphanet 140162, MedGen C0027672, MeSH D009386, MONDO:0015356.
Familial adenomatous polyposis 1 (FAP1). Also called: FAMILIAL ADENOMATOUS POLYPOSIS 1, ATTENUATED; POLYPOSIS, ADENOMATOUS INTESTINAL. Identifiers: MedGen C2713442, MONDO:0021056, OMIM 175100. Disease mechanism: loss of function.

Allele frequency attached by ClinVar (database versions not stated): gnomAD exomes below 0.00001; ExAC 0.00001.
gnomAD v4.1: 2 of 1,613,640 alleles (0.00012%); highest among the groups gnomAD compares: Non-Finnish European, 0.00017%; no homozygotes.

Submissions (2):

Ambry Genetics
Classification: Uncertain significance for Hereditary cancer-predisposing syndrome. Last evaluated: 2025-09-21. Review status: criteria provided, single submitter. Criteria: Ambry Variant Classification Scheme 2023. Collection method: clinical testing. Allele origin: germline.
Comment: The p.T1258S variant (also known as c.3772A>T), located in coding exon 15 of the APC gene, results from an A to T substitution at nucleotide position 3772. The threonine at codon 1258 is replaced by serine, an amino acid with similar properties. This amino acid position is well conserved in available vertebrate species. In addition, in silico predictors for this gene do not accurately predict pathogenicity. Since supporting evidence is limited at this time, the clinical significance of this alteration remains unclear.

Labcorp Genetics (formerly Invitae), Labcorp
Classification: Uncertain significance for Familial adenomatous polyposis 1. Last evaluated: 2024-06-09. Review status: criteria provided, single submitter. Criteria: Invitae Variant Classification Sherloc (09022015). Collection method: clinical testing. Allele origin: germline.
Comment: This sequence change replaces threonine, which is neutral and polar, with serine, which is neutral and polar, at codon 1258 of the APC protein (p.Thr1258Ser). This variant is present in population databases (rs774968240, gnomAD 0.0009%). This variant has not been reported in the literature in individuals affected with APC-related conditions. ClinVar contains an entry for this variant (Variation ID: 579408). Advanced modeling of protein sequence and biophysical properties (such as structural, functional, and spatial information, amino acid conservation, physicochemical variation, residue mobility, and thermodynamic stability) performed at Invitae indicates that this missense variant is not expected to disrupt APC protein function with a negative predictive value of 95%. In summary, the available evidence is currently insufficient to determine the role of this variant in disease. Therefore, it has been classified as a Variant of Uncertain Significance.